The following is an entry in ClinVar:

NM_001163809.2(WDR81):c.5672T>C (p.Ile1891Thr)

Gene: WDR81 (WD repeat domain 81; plus strand). Cytogenetic location: 17p13.3.
Variant type: single nucleotide variant.
Coding change: c.5672T>C on transcript NM_001163809.2 (MANE Select); coding-DNA position 5672, T replaced by C.
Protein change: p.Ile1891Thr; replaces isoleucine 1891 with threonine.
Molecular consequence: missense variant.
Genome position (GRCh38, 1-based): chr17:1,737,531, T>C. VCF-style: chr17-1737531-T-C. GRCh37 (hg19) VCF-style: chr17-1640825-T-C.
Other names: c.2063T>C, p.Ile688Thr (NM_001163673.2); c.1991T>C, p.Ile664Thr (NM_001163811.2); c.2519T>C, p.Ile840Thr (NM_152348.4); short protein forms I1891T, I664T, I688T, I840T.
Identifiers: ClinVar variation 3255116 (VCV003255116.1), dbSNP rs2543921856.

ClinVar aggregate classification (germline): Likely pathogenic (1 of 4 stars; one submission).

Conditions:
Cerebellar ataxia, impaired intellectual development, and dysequilibrium syndrome 2. Also called: CEREBELLAR ATAXIA, MENTAL RETARDATION, AND DYSEQUILIBRIUM SYNDROME 2; CEREBELLAR ATAXIA AND MENTAL RETARDATION WITH OR WITHOUT QUADRUPEDAL LOCOMOTION 2; Cerebellar ataxia, intellectual disability, and dysequilibrium syndrome 2. Identifiers: Orphanet 1766, MedGen C2750234, MONDO:0012430, OMIM 610185.

Allele frequency attached by ClinVar (database versions not stated): gnomAD exomes below 0.00001.
gnomAD v4.1: 2 of 1,613,098 alleles (0.00012%); highest among the groups gnomAD compares: Non-Finnish European, 0.00017%; no homozygotes.

Submission:

Victorian Clinical Genetics Services, Murdoch Childrens Research Institute
Classification: Likely pathogenic for Cerebellar ataxia, impaired intellectual development, and dysequilibrium syndrome 2. Last evaluated: 2023-07-17. Review status: criteria provided, single submitter. Criteria: ACMG Guidelines, 2015. Collection method: clinical testing. Allele origin: germline. Inheritance: Autosomal recessive inheritance. Affected: yes.
Comment: Based on the classification scheme VCGS_Germline_v1.3.4, this variant is classified as Likely Pathogenic. Following criteria are met: 0102 - Loss of function is a known mechanism of disease in this gene and is associated with cerebellar ataxia, mental retardation, and dysequilibrium syndrome 2 (MIM#610185) and hydrocephalus, congenital, 3, with brain anomalies (MIM#617967). (I) 0106 - This gene is associated with autosomal recessive disease. (I) 0200 - Variant is predicted to result in a missense amino acid change from isoleucine to threonine. (I) 0253 - This variant is hemizygous. (I) 0301 - Variant is absent from gnomAD (both v2 and v3). (SP) 0502 - Missense variant with conflicting in silico predictions and uninformative conservation. (I) 0604 - Variant is not located in an established domain, motif, hotspot or informative constraint region. (I) 0705 - No comparable missense variants have previous evidence for pathogenicity. (I) 0807 - This variant has no previous evidence of pathogenicity. (I) 0905 - No published segregation evidence has been identified for this variant. (I) 1007 - No published functional evidence has been identified for this variant. (I) 1102 - Strong phenotype match for this individual. (SP) 1201 - Heterozygous variant detected in trans with a second pathogenic heterozygous variant (17p13.3(1278035_2148538)x1dn) in a recessive disease. (I) Legend: (SP) - Supporting pathogenic, (I) - Information, (SB) - Supporting benign